The following is an entry in ClinVar:

ClinVar aggregate classification (germline): Uncertain significance. Review status: criteria provided, multiple submitters, no conflicts (2 of 4 stars). 5 submissions from 5 submitters: Uncertain significance (4). 1 of the submissions does not count toward it. Last evaluated 2026-01-11.

Conditions:
Familial cancer of breast. Also called: Hereditary breast cancer; BREAST CANCER, FAMILIAL; hereditary breast carcinoma. Identifiers: Orphanet 227535, MedGen C0346153, MONDO:0016419, OMIM 114480. Disease mechanism: loss of function.
Hereditary cancer-predisposing syndrome. Also called: Tumor predisposition; Neoplastic Syndromes, Hereditary; Hereditary Cancer Syndrome; Hereditary neoplastic syndrome. Identifiers: Orphanet 140162, MedGen C0027672, MeSH D009386, MONDO:0015356.
Ataxia-telangiectasia syndrome (AT). Also called: ATAXIA-TELANGIECTASIA, COMPLEMENTATION GROUP A; ATAXIA-TELANGIECTASIA, FRESNO VARIANT; Ataxia-telangiectasia; Ataxia-telangiectasia, complementation group D; AT, COMPLEMENTATION GROUP C; Ataxia-telangiectasia, complementation group E. Identifiers: Orphanet 100, MedGen C0004135, MONDO:0008840, OMIM 208900.

Allele frequency attached by ClinVar (database versions not stated): gnomAD below 0.00001 and 0.00001; gnomAD exomes 0.00001 and below 0.00001.
gnomAD v4.1: 8 of 1,607,784 alleles (0.0005%); highest among the groups gnomAD compares: South Asian, 0.0088%; no homozygotes.

Submissions (5):

Labcorp Genetics (formerly Invitae), Labcorp
Classification: Uncertain significance for Ataxia-telangiectasia syndrome. Last evaluated: 2026-01-11. Review status: criteria provided, single submitter. Criteria: Invitae Variant Classification Sherloc (09022015). Collection method: clinical testing. Allele origin: germline.
Comment: This sequence change replaces valine, which is neutral and non-polar, with alanine, which is neutral and non-polar, at codon 2808 of the ATM protein (p.Val2808Ala). This variant is present in population databases (no rsID available, gnomAD 0.003%). This missense change has been observed in individual(s) with breast and/or ovarian cancer (PMID: 29470806). ClinVar contains an entry for this variant (Variation ID: 861635). Invitae Evidence Modeling of protein sequence and biophysical properties (such as structural, functional, and spatial information, amino acid conservation, physicochemical variation, residue mobility, and thermodynamic stability) indicates that this missense variant is not expected to disrupt ATM protein function with a negative predictive value of 95%. In summary, the available evidence is currently insufficient to determine the role of this variant in disease. Therefore, it has been classified as a Variant of Uncertain Significance.

Baylor Genetics
Classification: Uncertain significance for Familial cancer of breast. Last evaluated: 2023-10-30. Review status: criteria provided, single submitter. Criteria: ACMG Guidelines, 2015. Collection method: clinical testing. Allele origin: unknown.

Ambry Genetics
Classification: Uncertain significance for Hereditary cancer-predisposing syndrome. Last evaluated: 2023-05-10. Review status: criteria provided, single submitter. Criteria: Ambry Variant Classification Scheme 2023. Collection method: clinical testing. Allele origin: germline.
Comment: The p.V2808A variant (also known as c.8423T>C), located in coding exon 57 of the ATM gene, results from a T to C substitution at nucleotide position 8423. The valine at codon 2808 is replaced by alanine, an amino acid with similar properties. This variant was observed in a study of 1010 unrelated Indian patients with breast and/or ovarian cancer (Singh J et al. Breast Cancer Res Treat, 2018 Jul;170:189-196). This amino acid position is not well conserved in available vertebrate species, and alanine is the reference amino acid in other vertebrate species. In addition, this alteration is predicted to be tolerated by in silico analysis. Since supporting evidence is limited at this time, the clinical significance of this alteration remains unclear.

Color Diagnostics, LLC DBA Color Health
Classification: Uncertain significance for Hereditary cancer-predisposing syndrome. Last evaluated: 2021-05-04. Review status: criteria provided, single submitter. Criteria: ACMG Guidelines, 2015. Collection method: clinical testing. Allele origin: germline.
Comment: This missense variant replaces valine with alanine at codon 2808 of the ATM protein. Computational prediction suggests that this variant may not impact protein structure and function (internally defined REVEL score threshold <= 0.5, PMID: 27666373). To our knowledge, functional studies have not been reported for this variant. This variant has been reported in an individual affected with breast and/or ovarian cancer (PMID: 29470806). This variant has been identified in 2/281544 chromosomes in the general population by the Genome Aggregation Database (gnomAD). The available evidence is insufficient to determine the role of this variant in disease conclusively. Therefore, this variant is classified as a Variant of Uncertain Significance.

Natera, Inc.
Classification: Uncertain significance for Ataxia-telangiectasia. Last evaluated: 2020-03-16. Review status: no assertion criteria provided. Collection method: clinical testing. Allele origin: germline. Not counted in ClinVar's aggregate classification.

Literature cited by the submitters: PubMed 29470806 (cited by Labcorp Genetics (formerly Invitae), Labcorp and Ambry Genetics).

NM_000051.4(ATM):c.8423T>C (p.Val2808Ala)

Genes: ATM (ATM serine/threonine kinase; plus strand), C11orf65 (chromosome 11 open reading frame 65; minus strand). Cytogenetic location: 11q22.3.
Variant type: single nucleotide variant.
Coding change: c.8423T>C on transcript NM_000051.4 (MANE Select); coding-DNA position 8423, T replaced by C.
Protein change: p.Val2808Ala; replaces valine 2808 with alanine.
Molecular consequence: missense variant. On other transcripts: intron variant (2).
Genome position (GRCh38, 1-based): chr11:108,345,747, T>C. VCF-style: chr11-108345747-T-C. GRCh37 (hg19) VCF-style: chr11-108216474-T-C.
Other names: c.8423T>C, p.Val2808Ala (NM_001351834.2); c.641-36676A>G (NM_001330368.2); c.695-10455A>G (NM_001351110.2); short protein forms V2808A.
Identifiers: ClinVar variation 861635 (VCV000861635.26), dbSNP rs1359195708, ClinGen allele CA15067466.
Genomic context (GRCh38, chr11:108,345,747, plus strand): 5'-ATTAGTTTAATTGAACACAATATTGAAAAATAATTATATATATTCTCTATTTAAAGGAGG[T>C]GCAAAAAAAGTCTTTTGAAGAGAAATATGAAGTCTTCATGGATGTTTGCCAAAATTTTCA-3'
Protein context (NP_000042.3, residues 2798-2818): AFQCQKKMME[Val2808Ala]QKKSFEEKYE